The following is an entry in ClinVar:

NM_000222.3(KIT):c.1688T>C (p.Ile563Thr)

Gene: KIT (KIT proto-oncogene, receptor tyrosine kinase; plus strand). Cytogenetic location: 4q12.
Variant type: single nucleotide variant.
Coding change: c.1688T>C on transcript NM_000222.3 (MANE Select); coding-DNA position 1688, T replaced by C.
Protein change: p.Ile563Thr; replaces isoleucine 563 with threonine.
Molecular consequence: missense variant.
Genome position (GRCh38, 1-based): chr4:54,727,456, T>C. VCF-style: chr4-54727456-T-C. GRCh37 (hg19) VCF-style: chr4-55593622-T-C.
Other names: c.1676T>C, p.Ile559Thr (NM_001093772.2, NM_001385286.1); c.1691T>C, p.Ile564Thr (NM_001385284.1, NM_001385290.1); c.1688T>C, p.Ile563Thr (NM_001385285.1); c.1679T>C, p.Ile560Thr (NM_001385288.1, NM_001385292.1); short protein forms I563T, I564T, I559T, I560T.
Identifiers: ClinVar variation 1436572 (VCV001436572.9), dbSNP rs780708976, ClinGen allele CA356907496.

ClinVar aggregate classification (germline): Uncertain significance. Review status: criteria provided, multiple submitters, no conflicts (2 of 4 stars). 2 submissions from 2 submitters: Uncertain significance (2). Last evaluated 2025-02-23.

Conditions:
Gastrointestinal stromal tumor. Also called: Gastrointestinal stroma tumor; Gastrointestinal stromal tumor, somatic. Identifiers: Orphanet 44890, MedGen C0238198, MeSH D046152, MONDO:0011719, OMIM 606764, HP:0100723.
Hereditary cancer-predisposing syndrome. Also called: Hereditary neoplastic syndrome; Tumor predisposition; Hereditary Cancer Syndrome; Neoplastic Syndromes, Hereditary. Identifiers: Orphanet 140162, MedGen C0027672, MeSH D009386, MONDO:0015356.

gnomAD v4.1: 6 of 1,613,990 alleles (0.00037%); highest among the groups gnomAD compares: African/African-American, 0.008%; no homozygotes.

Submissions (2):

Labcorp Genetics (formerly Invitae), Labcorp
Classification: Uncertain significance for Gastrointestinal stromal tumor. Last evaluated: 2025-02-23. Review status: criteria provided, single submitter. Criteria: Invitae Variant Classification Sherloc (09022015). Collection method: clinical testing. Allele origin: germline.
Comment: This sequence change replaces isoleucine, which is neutral and non-polar, with threonine, which is neutral and polar, at codon 563 of the KIT protein (p.Ile563Thr). This variant is present in population databases (no rsID available, gnomAD 0.02%). This variant has not been reported in the literature in individuals affected with KIT-related conditions. ClinVar contains an entry for this variant (Variation ID: 1436572). An algorithm developed to predict the effect of missense changes on protein structure and function (PolyPhen-2) suggests that this variant is likely to be disruptive. In summary, the available evidence is currently insufficient to determine the role of this variant in disease. Therefore, it has been classified as a Variant of Uncertain Significance.

Ambry Genetics
Classification: Uncertain significance for Hereditary cancer-predisposing syndrome. Last evaluated: 2023-10-10. Review status: criteria provided, single submitter. Criteria: Ambry Variant Classification Scheme 2023. Collection method: clinical testing. Allele origin: germline.
Comment: The p.I563T variant (also known as c.1688T>C), located in coding exon 11 of the KIT gene, results from a T to C substitution at nucleotide position 1688. The isoleucine at codon 563 is replaced by threonine, an amino acid with similar properties. This amino acid position is well conserved in available vertebrate species. In addition, the in silico prediction for this alteration is inconclusive. Since supporting evidence is limited at this time, the clinical significance of this alteration remains unclear.